The following is an entry in ClinVar:

ClinVar aggregate classification (germline): Conflicting classifications of pathogenicity. Review status: criteria provided, conflicting classifications (1 of 4 stars). 3 submissions from 3 submitters: Uncertain significance (1); Likely benign (1). 1 of the submissions does not count toward it. Last evaluated 2024-01-12.

Conditions:
ABCB11-related disorder. Also called: ABCB11-related condition.

Allele frequency attached by ClinVar (database versions not stated): gnomAD exomes 0.00001 and 0.00003; ExAC 0.00002; TOPMed 0.00003; gnomAD 0.00006.
gnomAD v4.1: 50 of 1,608,672 alleles (0.0031%); highest among the groups gnomAD compares: Non-Finnish European, 0.004%; no homozygotes.

Submissions (3):

Labcorp Genetics (formerly Invitae), Labcorp
Classification: Likely benign. Last evaluated: 2024-01-12. Review status: criteria provided, single submitter. Criteria: Invitae Variant Classification Sherloc (09022015). Collection method: clinical testing. Allele origin: germline.

Eurofins Ntd Llc (ga)
Classification: Uncertain significance. Last evaluated: 2018-06-05. Review status: criteria provided, single submitter. Criteria: EGL ClinVar v180209 classification definitions. Collection method: clinical testing. Allele origin: germline. Observed: 1 variant allele, 1 heterozygote.

PreventionGenetics, part of Exact Sciences
Classification: Likely benign for ABCB11-related condition. Last evaluated: 2021-12-30. Review status: no assertion criteria provided. Collection method: clinical testing. Allele origin: germline. Not counted in ClinVar's aggregate classification.
Comment: This variant is classified as likely benign based on ACMG/AMP sequence variant interpretation guidelines (Richards et al. 2015 PMID: 25741868, with internal and published modifications).

NM_003742.4(ABCB11):c.3412-7T>C

Gene: ABCB11 (ATP binding cassette subfamily B member 11; minus strand). Cytogenetic location: 2q31.1.
Variant type: single nucleotide variant.
Coding change: c.3412-7T>C on transcript NM_003742.4 (MANE Select); 7 bases into the intron before coding-DNA position 3412, T replaced by C.
Molecular consequence: intron variant.
Genome position (GRCh38, 1-based): chr2:168,927,369, A>G on the plus strand (T>C on the coding strand, the complement: ABCB11 is on the minus strand). VCF-style: chr2-168927369-A-G. GRCh37 (hg19) VCF-style: chr2-169783879-A-G.
Other names: c.3412-7T>C (LRG_1199t1, NM_003742.2).
Identifiers: ClinVar variation 597456 (VCV000597456.16), dbSNP rs757040670, ClinGen allele CA1951020.